The following is an entry in ClinVar:

NM_005720.4(ARPC1B):c.1011C>A (p.Gly337=)

Gene: ARPC1B (actin related protein 2/3 complex subunit 1B; plus strand). Cytogenetic location: 7q22.1.
Variant type: single nucleotide variant.
Coding change: c.1011C>A on transcript NM_005720.4 (MANE Select); coding-DNA position 1011, C replaced by A.
Protein change: p.Gly337=; no amino-acid change (glycine 337 retained).
Molecular consequence: synonymous variant.
Genome position (GRCh38, 1-based): chr7:99,394,050, C>A. VCF-style: chr7-99394050-C-A. GRCh37 (hg19) VCF-style: chr7-98991673-C-A.
Other names: c.1011C>A (NM_005720.3).
Identifiers: ClinVar variation 2168948 (VCV002168948.29), dbSNP rs147204436, ClinGen allele CA4364190.

ClinVar aggregate classification (germline): Likely benign. Review status: criteria provided, multiple submitters, no conflicts (2 of 4 stars). 3 submissions from 3 submitters: Likely benign (2). 1 of the submissions does not count toward it. Last evaluated 2025-05-30.

Conditions:
ARPC1B-related disorder. Also called: ARPC1B-related condition.

Allele frequency attached by ClinVar (database versions not stated): ExAC 0.00001; gnomAD 0.00004; TOPMed 0.00006; ESP Exome Variant Server 0.00008.

Submissions (3):

Labcorp Genetics (formerly Invitae), Labcorp
Classification: Likely benign. Last evaluated: 2025-05-30. Review status: criteria provided, single submitter. Criteria: Invitae Variant Classification Sherloc (09022015). Collection method: clinical testing. Allele origin: germline.

CeGaT Center for Human Genetics Tuebingen
Classification: Likely benign. Last evaluated: 2022-06-01. Review status: criteria provided, single submitter. Criteria: CeGaT Center For Human Genetics Tuebingen Variant Classification Criteria Version 2. Collection method: clinical testing. Allele origin: germline. Affected: yes. Observed: 1 variant allele.
Comment: ARPC1B: BP4, BP7

PreventionGenetics, part of Exact Sciences
Classification: Likely benign for ARPC1B-related condition. Last evaluated: 2023-12-11. Review status: no assertion criteria provided. Collection method: clinical testing. Allele origin: germline. Not counted in ClinVar's aggregate classification.
Comment: This variant is classified as likely benign based on ACMG/AMP sequence variant interpretation guidelines (Richards et al. 2015 PMID: 25741868, with internal and published modifications).